The following is an entry in ClinVar:

ClinVar aggregate classification (germline): Uncertain significance (1 of 4 stars; one submission).

Allele frequency attached by ClinVar (database versions not stated): TOPMed 0.00001.

Submission:

Labcorp Genetics (formerly Invitae), Labcorp
Classification: Uncertain significance. Last evaluated: 2025-04-28. Review status: criteria provided, single submitter. Criteria: Invitae Variant Classification Sherloc (09022015). Collection method: clinical testing. Allele origin: germline.
Comment: This sequence change replaces arginine, which is basic and polar, with glutamine, which is neutral and polar, at codon 747 of the PDZD7 protein (p.Arg747Gln). This variant is not present in population databases (gnomAD no frequency). This variant has not been reported in the literature in individuals affected with PDZD7-related conditions. ClinVar contains an entry for this variant (Variation ID: 1356395). Invitae Evidence Modeling of protein sequence and biophysical properties (such as structural, functional, and spatial information, amino acid conservation, physicochemical variation, residue mobility, and thermodynamic stability) indicates that this missense variant is not expected to disrupt PDZD7 protein function with a negative predictive value of 80%. In summary, the available evidence is currently insufficient to determine the role of this variant in disease. Therefore, it has been classified as a Variant of Uncertain Significance.

NM_001195263.2(PDZD7):c.2240G>A (p.Arg747Gln)

Gene: PDZD7 (PDZ domain containing 7; minus strand). Cytogenetic location: 10q24.31.
Variant type: single nucleotide variant.
Coding change: c.2240G>A on transcript NM_001195263.2 (MANE Select); coding-DNA position 2240, G replaced by A.
Protein change: p.Arg747Gln; replaces arginine 747 with glutamine.
Molecular consequence: missense variant.
Genome position (GRCh38, 1-based): chr10:101,010,649, C>T on the plus strand (G>A on the coding strand, the complement: PDZD7 is on the minus strand). VCF-style: chr10-101010649-C-T. GRCh37 (hg19) VCF-style: chr10-102770406-C-T.
Other names: short protein forms R747Q.
Identifiers: ClinVar variation 1356395 (VCV001356395.8), dbSNP rs1753001796, ClinGen allele CA378224840.
Genomic context (GRCh38, chr10:101,010,649, plus strand): 5'-CGGATCTGGCTCTGCGGAGGGTGCTCTCGGCTCAGGGGTTCTGTCAGCAGCCAGTTAGGC[C>T]GCAGGGGCCGGGGAGCCACGGGGGGTAGCTGGGGAGGGGGTGTGCAGGCAATTCGGAGGG-3'
Protein context (NP_001182192.1, residues 737-757): QLPPVAPRPL[Arg747Gln]PNWLLTEPLS